The following is an entry in ClinVar:

NM_001378743.1(CYLD):c.2460del (p.Thr819_Cys820insTer)

Genes: CYLD (CYLD lysine 63 deubiquitinase; plus strand), CYLD-AS2 (CYLD antisense RNA 2; minus strand). Cytogenetic location: 16q12.1.
Variant type: Deletion.
Coding change: c.2460del on transcript NM_001378743.1 (MANE Select); coding-DNA position 2460, one base deleted (C; older notation c.2460delC).
Protein change: p.Thr819_Cys820insTer.
Molecular consequence: nonsense. On other transcripts: non-coding transcript variant (1).
Genome position (GRCh38, 1-based): chr16:50,793,655, C deleted. VCF-style (leftmost placement, unchanged base first): chr16-50793654-GC-G. GRCh37 (hg19) VCF-style: chr16-50827565-GC-G.
Other names: c.2451del, p.Thr816_Cys817insTer (NM_001042355.2, NM_001042412.3, NM_001378744.1 and 6 more transcripts); c.2421del, p.Thr806_Cys807insTer (NM_001378751.1, NM_001378752.1, NM_001378753.1); c.1785del, p.Thr594_Cys595insTer (NM_001378754.1, NM_001378755.1); c.2460del, p.Thr819_Cys820insTer (NM_015247.3).
Identifiers: ClinVar variation 4884294 (VCV004884294.2).

ClinVar aggregate classification (germline): Pathogenic. Review status: criteria provided, multiple submitters, no conflicts (2 of 4 stars). 2 submissions from 2 submitters: Pathogenic (2). Last evaluated 2026-06-11.

Conditions:
Multiple monogenic benign skin tumours.
CYLD-related disorder. Also called: CYLD-related condition.

Submissions (2):

Genetics Laboratory, Great Ormond Street Hospital NHS Foundation Trust, North Thames Genomic Laboratory Hub
Classification: Pathogenic for Multiple monogenic benign skin tumours. Last evaluated: 2026-06-11. Review status: criteria provided, single submitter. Criteria: ACGS Best Practice Guidelines for Variant Classification in Rare Disease 2024 v1.2. Collection method: clinical testing. Allele origin: germline. Affected: yes.
Comment: PS4_supporting, PM2_supporting, PVS1_very-strong

Blueprint Genetics
Classification: Pathogenic for CYLD-related disorders. Last evaluated: 2023-02-14. Review status: criteria provided, single submitter. Criteria: ACMG Guidelines, 2015. Collection method: clinical testing. Allele origin: germline. Affected: yes. Observed: 1 variant allele.